The following is an entry in ClinVar:

NM_017654.4(SAMD9):c.3065T>C (p.Met1022Thr)

Gene: SAMD9 (sterile alpha motif domain containing 9; minus strand). Cytogenetic location: 7q21.2.
Variant type: single nucleotide variant.
Coding change: c.3065T>C on transcript NM_017654.4 (MANE Select); coding-DNA position 3065, T replaced by C.
Protein change: p.Met1022Thr; replaces methionine 1022 with threonine.
Molecular consequence: missense variant.
Genome position (GRCh38, 1-based): chr7:93,103,033, A>G on the plus strand (T>C on the coding strand, the complement: SAMD9 is on the minus strand). VCF-style: chr7-93103033-A-G. GRCh37 (hg19) VCF-style: chr7-92732346-A-G.
Other names: c.3065T>C, p.Met1022Thr (NM_001193307.2); short protein forms M1022T.
Identifiers: ClinVar variation 4629910 (VCV004629910.1).
Genomic context (GRCh38, chr7:93,103,033, plus strand): 5'-TCATCGCGGTGTCTTGTGAGTAGGAGTGTGTGCATATCTTGCAAAAATTTACTTTTTCCC[A>G]TACCAGTATCGAAGAACAAATTCTCAGTTAGCATATCCAACATAATTTGACTTTTATTCA-3'
Protein context (NP_060124.2, residues 1012-1032): LTENLFFDTG[Met1022Thr]GKSKFLQDMH

ClinVar aggregate classification (germline): Uncertain significance (1 of 4 stars; one submission).

Conditions:
Inborn genetic diseases. Identifiers: MedGen C0950123, MeSH D030342.

Submission:

Ambry Genetics
Classification: Uncertain significance for Inborn genetic diseases. Last evaluated: 2025-10-29. Review status: criteria provided, single submitter. Criteria: Ambry Variant Classification Scheme 2023. Collection method: clinical testing. Allele origin: germline.
Comment: The p.M1022T variant (also known as c.3065T>C), located in coding exon 1 of the SAMD9 gene, results from a T to C substitution at nucleotide position 3065. The methionine at codon 1022 is replaced by threonine, an amino acid with similar properties. This amino acid position is conserved. In addition, this alteration is predicted to be tolerated by in silico analysis. Based on the available evidence, the clinical significance of this variant remains unclear.